The following is an entry in ClinVar:

ClinVar aggregate classification (germline): Uncertain significance. Review status: criteria provided, multiple submitters, no conflicts (2 of 4 stars). 4 submissions from 4 submitters: Uncertain significance (4). Last evaluated 2024-06-28.

Conditions:
Charcot-Marie-Tooth disease. Also called: Charcot-Marie-Tooth Neuropathy; Charcot-Marie-Tooth Hereditary Neuropathy. Identifiers: Orphanet 166, MedGen C0007959, MONDO:0015626.
Charcot-Marie-Tooth disease type 2. Also called: Charcot-Marie-Tooth type 2. Identifiers: Orphanet 64746, MedGen C0270914, MONDO:0018993.

Allele frequency attached by ClinVar (database versions not stated): TOPMed 0.00002; ESP Exome Variant Server 0.00008.
gnomAD v4.1: 34 of 1,613,988 alleles (0.0021%); highest among the groups gnomAD compares: Non-Finnish European, 0.0026%; no homozygotes.

Submissions (5):

Labcorp Genetics (formerly Invitae), Labcorp
Classification: Uncertain significance for Charcot-Marie-Tooth disease type 2. Last evaluated: 2024-06-28. Review status: criteria provided, single submitter. Criteria: Invitae Variant Classification Sherloc (09022015). Collection method: clinical testing. Allele origin: germline.
Comment: This sequence change replaces glycine, which is neutral and non-polar, with arginine, which is basic and polar, at codon 408 of the AARS protein (p.Gly408Arg). This variant also falls at the last nucleotide of exon 9, which is part of the consensus splice site for this exon. This variant is present in population databases (rs369135192, gnomAD 0.003%). This missense change has been observed in individual(s) with clinical features of Charcot-Marie-Tooth disease (PMID: 32376792). ClinVar contains an entry for this variant (Variation ID: 246399). An algorithm developed to predict the effect of missense changes on protein structure and function (PolyPhen-2) suggests that this variant is likely to be disruptive. Variants that disrupt the consensus splice site are a relatively common cause of aberrant splicing (PMID: 17576681, 9536098). Algorithms developed to predict the effect of sequence changes on RNA splicing suggest that this variant may create or strengthen a splice site. In summary, the available evidence is currently insufficient to determine the role of this variant in disease. Therefore, it has been classified as a Variant of Uncertain Significance.

CeGaT Center for Human Genetics Tuebingen
Classification: Uncertain significance. Last evaluated: 2021-08-01. Review status: criteria provided, single submitter. Criteria: CeGaT Center For Human Genetics Tuebingen Variant Classification Criteria Version 2. Collection method: clinical testing. Allele origin: germline. Affected: yes. Observed: 1 variant allele.

GeneDx
Classification: Uncertain significance. Last evaluated: 2016-02-23. Review status: criteria provided, single submitter. Criteria: GeneDx Variant Classification (06012015). Collection method: clinical testing. Allele origin: germline. Affected: yes.
Comment: The G408R variant has not been published as a pathogenic variant, nor has it been reported as a benign variant to our knowledge. It was not observed with any significant frequency in approximately 6,500 individuals of European and African American ancestry in the NHLBI Exome Sequencing Project. The G480R variant is a non-conservative amino acid substitution, which is likely to impact secondary protein structure as these residues differ in polarity, charge, size and/or other properties. This substitution occurs at a position that is conserved across species, and in silico analysis predicts this variant is probably damaging to the protein structure/function. However, missense variants in nearby residues have not been reported in the Human Gene Mutation Database in association with AARS-related disorders (Stenson et al., 2014). Therefore, based on the currently available information, it is unclear whether this variant is a pathogenic variant or a rare benign variant.

Molecular Genetics Laboratory, London Health Sciences Centre
Classification: Uncertain significance for Charcot-Marie-Tooth disease. Review status: criteria provided, single submitter. Criteria: ACMG Guidelines, 2015. Collection method: clinical testing. Allele origin: germline. Affected: yes.

Dr. Peter K. Rogan Lab, Western University
No classification provided (evidence only). Condition: Malignant tumor of urinary bladder. Review status: no classification provided. Collection method: in vitro. Allele origin: not applicable. Functional consequence: retained intron. Not counted in ClinVar's aggregate classification.

Literature cited by the submitters: PubMed 32376792 (cited by Labcorp Genetics (formerly Invitae), Labcorp); PubMed 17576681 (cited by Labcorp Genetics (formerly Invitae), Labcorp); PubMed 9536098 (cited by Labcorp Genetics (formerly Invitae), Labcorp).

NM_001605.3(AARS1):c.1222G>A (p.Gly408Arg)

Gene: AARS1 (alanyl-tRNA synthetase 1; minus strand). Cytogenetic location: 16q22.1.
Variant type: single nucleotide variant.
Coding change: c.1222G>A on transcript NM_001605.3 (MANE Select); coding-DNA position 1222, G replaced by A.
Protein change: p.Gly408Arg; replaces glycine 408 with arginine.
Molecular consequence: missense variant.
Genome position (GRCh38, 1-based): chr16:70,267,659, C>T on the plus strand (G>A on the coding strand, the complement: AARS1 is on the minus strand). VCF-style: chr16-70267659-C-T. GRCh37 (hg19) VCF-style: chr16-70301562-C-T.
Other names: short protein forms G408R.
Identifiers: ClinVar variation 246399 (VCV000246399.44), dbSNP rs369135192, ClinGen allele CA8140893.